The following is an entry in ClinVar:

NM_001371623.1(TCOF1):c.538C>T (p.Pro180Ser)

Gene: TCOF1 (treacle ribosome biogenesis factor 1; plus strand). Cytogenetic location: 5q32.
Variant type: single nucleotide variant.
Coding change: c.538C>T on transcript NM_001371623.1 (MANE Select); coding-DNA position 538, C replaced by T.
Protein change: p.Pro180Ser; replaces proline 180 with serine.
Molecular consequence: missense variant.
Genome position (GRCh38, 1-based): chr5:150,368,875, C>T. VCF-style: chr5-150368875-C-T. GRCh37 (hg19) VCF-style: chr5-149748438-C-T.
Other names: c.538C>T, p.Pro180Ser (NM_000356.4, NM_001008657.3, NM_001135243.2 and 4 more transcripts); short protein forms P180S.
Identifiers: ClinVar variation 4981688 (VCV004981688.1).

ClinVar aggregate classification (germline): Uncertain significance (1 of 4 stars; one submission).

Conditions:
TCOF1-related disorder. Also called: TCOF1-related condition.

gnomAD v4.1: 25 of 1,613,720 alleles (0.0015%); highest among the groups gnomAD compares: Admixed American, 0.027%; no homozygotes.

Submission:

PreventionGenetics, part of Exact Sciences
Classification: Uncertain significance for TCOF1-related condition. Last evaluated: 2025-04-22. Review status: criteria provided, single submitter. Criteria: ACMG Guidelines, 2015. Collection method: clinical testing. Allele origin: germline.
Comment: The TCOF1 c.538C>T variant is predicted to result in the amino acid substitution p.Pro180Ser. To our knowledge, this variant has not been reported in the literature. This variant is reported in 0.0056% of alleles in individuals of Latino descent in gnomAD. At this time, the clinical significance of this variant is uncertain due to the absence of conclusive functional and genetic evidence.